The following is an entry in ClinVar:

NM_000548.5(TSC2):c.1231G>A (p.Val411Met)

Gene: TSC2 (TSC complex subunit 2; plus strand). Cytogenetic location: 16p13.3.
Variant type: single nucleotide variant.
Coding change: c.1231G>A on transcript NM_000548.5 (MANE Select); coding-DNA position 1231, G replaced by A.
Protein change: p.Val411Met; replaces valine 411 with methionine.
Molecular consequence: missense variant.
Genome position (GRCh38, 1-based): chr16:2,061,982, G>A. VCF-style: chr16-2061982-G-A. GRCh37 (hg19) VCF-style: chr16-2111983-G-A.
Other names: c.1219G>A, p.Val407Met (NM_001406673.1, NM_001406671.1); c.1084G>A, p.Val362Met (NM_001406675.1, NM_001406676.1, NM_001406679.1 and 1 more transcripts); c.1174G>A, p.Val392Met (NM_001406677.1); c.1120G>A, p.Val374Met (NM_001406678.1, NM_001318827.2, NM_001406670.1); c.631G>A, p.Val211Met (NM_001406680.1, NM_001406682.1, NM_001406683.1 and 6 more transcripts); c.769G>A, p.Val257Met (NM_001406681.1); c.1231G>A, p.Val411Met (NM_001077183.3, NM_001114382.3, NM_001363528.2 and 6 more transcripts); c.1264G>A, p.Val422Met (NM_001318832.2); and 4 more; short protein forms V211M, V257M, V362M, V374M, V392M, V407M, V411M, V422M.
Identifiers: ClinVar variation 1719629 (VCV001719629.6), dbSNP rs1567428822, ClinGen allele CA394321242.
Genomic context (GRCh38, chr16:2,061,982, plus strand): 5'-GTGGAGGAGCTGTGTGACCAGAACGAGTTCCACGGGTCTCAGGAGAGATACTTTGAACTG[G>A]TGGAGAGATGTGCGGACCAGAGGCCTGTGAGACCCCCTCCTGGGTGGGGCCTTTGGGCTT-3'
Protein context (NP_000539.2, residues 401-421): HGSQERYFEL[Val411Met]ERCADQRPES

ClinVar aggregate classification (germline): Uncertain significance. Review status: criteria provided, multiple submitters, no conflicts (2 of 4 stars). 2 submissions from 2 submitters: Uncertain significance (2). Last evaluated 2026-05-20.

Conditions:
Hereditary cancer-predisposing syndrome. Also called: Hereditary Cancer Syndrome; Neoplastic Syndromes, Hereditary; Hereditary neoplastic syndrome; Tumor predisposition. Identifiers: Orphanet 140162, MedGen C0027672, MeSH D009386, MONDO:0015356.
Tuberous sclerosis 2 (TSC2). Identifiers: Orphanet 805, MedGen C1860707, MONDO:0013199, OMIM 613254.

Allele frequency attached by ClinVar (database versions not stated): gnomAD exomes below 0.00001.
gnomAD v4.1: 5 of 1,614,158 alleles (0.00031%); highest among the groups gnomAD compares: Non-Finnish European, 0.00042%; no homozygotes.

Submissions (2):

Ambry Genetics
Classification: Uncertain significance for Hereditary cancer-predisposing syndrome. Last evaluated: 2026-05-20. Review status: criteria provided, single submitter. Criteria: Ambry Variant Classification Scheme 2023. Collection method: clinical testing. Allele origin: germline.
Comment: The p.V411M variant (also known as c.1231G>A), located in coding exon 11 of the TSC2 gene, results from a G to A substitution at nucleotide position 1231. The valine at codon 411 is replaced by methionine, an amino acid with highly similar properties. This amino acid position is well conserved in available vertebrate species. In addition, the in silico prediction for this alteration is inconclusive. Based on the available evidence, the clinical significance of this variant remains unclear.

Labcorp Genetics (formerly Invitae), Labcorp
Classification: Uncertain significance for Tuberous sclerosis 2. Last evaluated: 2023-10-05. Review status: criteria provided, single submitter. Criteria: Invitae Variant Classification Sherloc (09022015). Collection method: clinical testing. Allele origin: germline.
Comment: This sequence change replaces valine, which is neutral and non-polar, with methionine, which is neutral and non-polar, at codon 411 of the TSC2 protein (p.Val411Met). This variant is not present in population databases (gnomAD no frequency). This variant has not been reported in the literature in individuals affected with TSC2-related conditions. ClinVar contains an entry for this variant (Variation ID: 1719629). Advanced modeling of protein sequence and biophysical properties (such as structural, functional, and spatial information, amino acid conservation, physicochemical variation, residue mobility, and thermodynamic stability) performed at Invitae indicates that this missense variant is not expected to disrupt TSC2 protein function. In summary, the available evidence is currently insufficient to determine the role of this variant in disease. Therefore, it has been classified as a Variant of Uncertain Significance.